The following is an entry in ClinVar:

NM_002350.4(LYN):c.1138_1139del (p.Met380fs)

Gene: LYN (LYN proto-oncogene, Src family tyrosine kinase; plus strand). Cytogenetic location: 8q12.1.
Variant type: Deletion.
Coding change: c.1138_1139del on transcript NM_002350.4 (MANE Select); coding-DNA positions 1138 to 1139, 2 bases deleted (AT; older notation c.1138_1139delAT).
Protein change: p.Met380fs; shifts the reading frame from methionine 380.
Molecular consequence: frameshift variant.
Genome position (GRCh38, 1-based): chr8:55,998,433-55,998,434, AT deleted. VCF-style (leftmost placement, unchanged base first): chr8-55998432-CAT-C. GRCh37 (hg19) VCF-style: chr8-56910991-CAT-C.
Other names: c.1075_1076del, p.Met359fs (NM_001111097.3); short protein forms M359fs, M380fs.
Identifiers: ClinVar variation 3622787 (VCV003622787.2).

ClinVar aggregate classification (germline): Uncertain significance (1 of 4 stars; one submission).

Submission:

Labcorp Genetics (formerly Invitae), Labcorp
Classification: Uncertain significance. Last evaluated: 2024-06-24. Review status: criteria provided, single submitter. Criteria: Invitae Variant Classification Sherloc (09022015). Collection method: clinical testing. Allele origin: germline.
Comment: This sequence change creates a premature translational stop signal (p.Met380Valfs*10) in the LYN gene. It is expected to result in an absent or disrupted protein product. However, the current clinical and genetic evidence is not sufficient to establish whether loss-of-function variants in LYN cause disease. This variant is present in population databases (no rsID available, gnomAD 0.0009%). This variant has not been reported in the literature in individuals affected with LYN-related conditions. In summary, the available evidence is currently insufficient to determine the role of this variant in disease. Therefore, it has been classified as a Variant of Uncertain Significance.